The following is an entry in ClinVar:

ClinVar aggregate classification (germline): Uncertain significance. Review status: criteria provided, multiple submitters, no conflicts (2 of 4 stars). 4 submissions from 4 submitters: Uncertain significance (4). Last evaluated 2025-10-06.

Conditions:
Hereditary cancer-predisposing syndrome. Also called: Neoplastic Syndromes, Hereditary; Tumor predisposition; Hereditary Cancer Syndrome; Hereditary neoplastic syndrome. Identifiers: Orphanet 140162, MedGen C0027672, MeSH D009386, MONDO:0015356.
Familial meningioma. Also called: Meningioma, familial, susceptibility to. Identifiers: Orphanet 263662, MedGen C3551915, MONDO:0011789, OMIM 607174.
Neurofibromatosis, type 2 (SWNV). Also called: BILATERAL ACOUSTIC NEUROFIBROMATOSIS; SCHWANNOMATOSIS, VESTIBULAR; NF2-Related Schwannomatosis. Identifiers: Orphanet 637, MedGen C0027832, MONDO:0007039, OMIM 101000. Disease mechanism: loss of function.

Allele frequency attached by ClinVar (database versions not stated): gnomAD exomes below 0.00001; ExAC 0.00001; gnomAD 0.00001; 1000 Genomes Project 0.00020; 1000 Genomes Project 30x 0.00031.
gnomAD v4.1: 1 of 1,614,214 alleles (0.000062%); highest among the groups gnomAD compares: African/African-American, 0.0013%; no homozygotes.

Submissions (4):

Labcorp Genetics (formerly Invitae), Labcorp
Classification: Uncertain significance for Neurofibromatosis, type 2. Last evaluated: 2025-10-06. Review status: criteria provided, single submitter. Criteria: Invitae Variant Classification Sherloc (09022015). Collection method: clinical testing. Allele origin: germline.
Comment: This sequence change replaces lysine, which is basic and polar, with arginine, which is basic and polar, at codon 88 of the NF2 protein (p.Lys88Arg). This variant is present in population databases (rs547255779, gnomAD 0.007%). This variant has not been reported in the literature in individuals affected with NF2-related conditions. ClinVar contains an entry for this variant (Variation ID: 944347). Invitae Evidence Modeling of protein sequence and biophysical properties (such as structural, functional, and spatial information, amino acid conservation, physicochemical variation, residue mobility, and thermodynamic stability) indicates that this missense variant is not expected to disrupt NF2 protein function with a negative predictive value of 80%. In summary, the available evidence is currently insufficient to determine the role of this variant in disease. Therefore, it has been classified as a Variant of Uncertain Significance.

Ambry Genetics
Classification: Uncertain significance for Hereditary cancer-predisposing syndrome. Last evaluated: 2025-01-29. Review status: criteria provided, single submitter. Criteria: Ambry Variant Classification Scheme 2023. Collection method: clinical testing. Allele origin: germline.
Comment: The p.K88R variant (also known as c.263A>G), located in coding exon 3 of the NF2 gene, results from an A to G substitution at nucleotide position 263. The lysine at codon 88 is replaced by arginine, an amino acid with highly similar properties. This amino acid position is well conserved in available vertebrate species. In addition, the in silico prediction for this alteration is inconclusive. Since supporting evidence is limited at this time, the clinical significance of this alteration remains unclear.

All of Us Research Program, National Institutes of Health
Classification: Uncertain significance for Neurofibromatosis, type 2. Last evaluated: 2024-01-11. Review status: criteria provided, single submitter. Criteria: ACMG Guidelines, 2015. Collection method: clinical testing. Allele origin: germline. Inheritance: Autosomal dominant inheritance. Observed: 1 variant allele, 1 heterozygote.
Comment: This study involves interpretation of variants in research participants for the purpose of population health screening. Participant phenotype was not available at the time of variant classification. Additional details can be found in publication PMID: 35346344, PMCID: PMC8962531

Baylor Genetics
Classification: Uncertain significance for Familial meningioma. Last evaluated: 2023-08-02. Review status: criteria provided, single submitter. Criteria: ACMG Guidelines, 2015. Collection method: clinical testing. Allele origin: unknown.

NM_000268.4(NF2):c.263A>G (p.Lys88Arg)

Gene: NF2 (NF2, moesin-ezrin-radixin like (MERLIN) tumor suppressor; plus strand). Cytogenetic location: 22q12.2.
Variant type: single nucleotide variant.
Coding change: c.263A>G on transcript NM_000268.4 (MANE Select); coding-DNA position 263, A replaced by G.
Protein change: p.Lys88Arg; replaces lysine 88 with arginine.
Molecular consequence: missense variant. On other transcripts: non-coding transcript variant (1), intron variant (3).
Genome position (GRCh38, 1-based): chr22:29,639,112, A>G. VCF-style: chr22-29639112-A-G. GRCh37 (hg19) VCF-style: chr22-30035101-A-G.
Other names: c.263A>G, p.Lys88Arg (NM_016418.5, NM_181825.3, NM_181832.3 and 1 more transcripts); c.137A>G, p.Lys46Arg (NM_181828.3); c.240+2236A>G (NM_181829.3); c.115-3090A>G (NM_181830.3, NM_181831.3); short protein forms K88R, K46R.
Identifiers: ClinVar variation 944347 (VCV000944347.15), dbSNP rs547255779, ClinGen allele CA030350.